The following is an entry in ClinVar:

NM_004525.3(LRP2):c.7075G>T (p.Ala2359Ser)

Gene: LRP2 (LDL receptor related protein 2; minus strand). Cytogenetic location: 2q31.1.
Variant type: single nucleotide variant.
Coding change: c.7075G>T on transcript NM_004525.3 (MANE Select); coding-DNA position 7075, G replaced by T.
Protein change: p.Ala2359Ser; replaces alanine 2359 with serine.
Molecular consequence: missense variant.
Genome position (GRCh38, 1-based): chr2:169,206,645, C>A on the plus strand (G>T on the coding strand, the complement: LRP2 is on the minus strand). VCF-style: chr2-169206645-C-A. GRCh37 (hg19) VCF-style: chr2-170063155-C-A.
Other names: c.7075G>T (NM_004525.2); short protein forms A2359S.
Identifiers: ClinVar variation 1047333 (VCV001047333.7), dbSNP rs764568761, ClinGen allele CA349171612.

ClinVar aggregate classification (germline): Uncertain significance. Review status: criteria provided, multiple submitters, no conflicts (2 of 4 stars). 2 submissions from 2 submitters: Uncertain significance (2). Last evaluated 2025-08-11.

Conditions:
Inborn genetic diseases. Identifiers: MedGen C0950123, MeSH D030342.

Submissions (2):

Ambry Genetics
Classification: Uncertain significance for Inborn genetic diseases. Last evaluated: 2025-08-11. Review status: criteria provided, single submitter. Criteria: Ambry Variant Classification Scheme 2023. Collection method: clinical testing. Allele origin: germline.

Labcorp Genetics (formerly Invitae), Labcorp
Classification: Uncertain significance. Last evaluated: 2021-08-27. Review status: criteria provided, single submitter. Criteria: Invitae Variant Classification Sherloc (09022015). Collection method: clinical testing. Allele origin: germline.
Comment: This sequence change replaces alanine with serine at codon 2359 of the LRP2 protein (p.Ala2359Ser). The alanine residue is highly conserved and there is a moderate physicochemical difference between alanine and serine. This variant is not present in population databases (ExAC no frequency). This variant has not been reported in the literature in individuals affected with LRP2-related conditions. Advanced modeling of protein sequence and biophysical properties (such as structural, functional, and spatial information, amino acid conservation, physicochemical variation, residue mobility, and thermodynamic stability) performed at Invitae indicates that this missense variant is expected to disrupt LRP2 protein function. In summary, the available evidence is currently insufficient to determine the role of this variant in disease. Therefore, it has been classified as a Variant of Uncertain Significance.